The following is an entry in ClinVar:

ClinVar aggregate classification (germline): Likely pathogenic. Review status: reviewed by expert panel (3 of 4 stars). 4 submissions from 4 submitters: Likely pathogenic (1). 3 of the submissions do not count toward it. Last evaluated 2023-11-28.

Conditions:
Very long chain acyl-CoA dehydrogenase deficiency (ACADVLD). Also called: Very Long-Chain Acyl-Coenzyme A Dehydrogenase Deficiency; VLCAD Deficiency. Identifiers: Orphanet 26793, MedGen C3887523, MONDO:0008723, OMIM 201475.

Submissions (4):

ClinGen ACADVL Variant Curation Expert Panel, ClinGen
Classification: Likely pathogenic for Very long chain acyl-CoA dehydrogenase deficiency. Last evaluated: 2023-11-28. Review status: reviewed by expert panel. Criteria: clingen acadvl acmg specifications v1. Collection method: curation. Allele origin: germline. Inheritance: Autosomal recessive inheritance.
Comment: The c.602A>G (NM_000018.4) variant in ACADVL is a missense variant predicted to cause substitution of tyrosine by cysteine at amino acid 201 (p.Tyr201Cys). This variant has been detected in a set of siblings that displayed increased C14:1 on newborn screen and reduced very long chain acyl CoA dehydrogenase (VLCAD) enzyme activity, which is highly specific for VLCAD deficiency (PP4_moderate, PP1; PMID: 17457695, 14517516). These siblings were compound heterozygous for this variant and a likely pathogenic variant confirmed in trans by parental testing (PM3 0.5 points, PM3_Supporting). This variant is absent from gnomAD v2.1.1 (PM2_Supporting). The computational predictor REVEL gives a score of 0.954, which is above the threshold of 0.75, evidence that correlates with impact to ACADVL function (PP3). In summary, this variant meets the criteria to be classified as likely pathogenic for autosomal recessive VLCAD deficiency based on the ACMG/AMP criteria applied, as specified by the ClinGen ACADVL Variant Curation Expert Panel: PM2_Supporting, PM3_Supporting, PP1, PP3, PP4_Moderate (ACADVL VCEP specifications version 1; approved November 9, 2021

Natera, Inc.
Classification: Likely pathogenic for Very long chain acyl-CoA dehydrogenase deficiency. Last evaluated: 2026-01-21. Review status: criteria provided, single submitter. Criteria: Natera Variant Classification Schema (03/2026). Collection method: clinical testing. Allele origin: germline. Not counted in ClinVar's aggregate classification.
Comment: The c.602A>G variant in ACADVL is a missense variant predicted to cause substitution of tyrosine to cysteine at amino acid 201. This variant is rare in the general population with a frequency below the threshold expected for the associated phenotype(s). This variant has been observed in one or more individuals affected with the associated recessive disease, as either homozygous or compound heterozygous with a second variant (PMID: 14517516). This variant has been identified in one or more affected individual with a phenotype highly consistent with the associated gene (PMID: 14517516). Computational prediction algorithms indicate this variant is likely to affect gene or protein function. Given the available evidence, this variant is classified as Likely Pathogenic.

Labcorp Genetics (formerly Invitae), Labcorp
Classification: Pathogenic for Very long chain acyl-CoA dehydrogenase deficiency. Last evaluated: 2023-11-22. Review status: criteria provided, single submitter. Criteria: Invitae Variant Classification Sherloc (09022015). Collection method: clinical testing. Allele origin: germline. Not counted in ClinVar's aggregate classification.
Comment: This sequence change replaces tyrosine, which is neutral and polar, with cysteine, which is neutral and slightly polar, at codon 201 of the ACADVL protein (p.Tyr201Cys). This variant is not present in population databases (gnomAD no frequency). This missense change has been observed in individual(s) with VLCAD deficiency (PMID: 14517516). ClinVar contains an entry for this variant (Variation ID: 932789). Advanced modeling of protein sequence and biophysical properties (such as structural, functional, and spatial information, amino acid conservation, physicochemical variation, residue mobility, and thermodynamic stability) performed at Invitae indicates that this missense variant is expected to disrupt ACADVL protein function with a positive predictive value of 95%. This variant disrupts the p.Tyr201 amino acid residue in ACADVL. Other variant(s) that disrupt this residue have been determined to be pathogenic (Invitae). This suggests that this residue is clinically significant, and that variants that disrupt this residue are likely to be disease-causing. For these reasons, this variant has been classified as Pathogenic.

Wong Mito Lab, Molecular and Human Genetics, Baylor College of Medicine
Classification: Pathogenic for Very long chain acyl-CoA dehydrogenase deficiency. Last evaluated: 2019-11-01. Review status: criteria provided, single submitter. Criteria: ACMG Guidelines, 2015. Collection method: clinical testing. Allele origin: germline. Not counted in ClinVar's aggregate classification.
Comment: The NM_000018.3:c.602A>G (NP_000009.1:p.Tyr201Cys) [GRCH38: NC_000017.11:g.7221662A>G] variant in ACADVL gene is interpretated to be Pathogenic based on ACMG guidelines (PMID: 25741868). This variant has been reported in PMID: 14517516. This variant meets the following evidence codes reported in the ACMG guidelines: PS1, PS3

Literature cited by the submitters: PubMed 14517516 (cited by 3 submitters).

NM_000018.4(ACADVL):c.602A>G (p.Tyr201Cys)

Gene: ACADVL (acyl-CoA dehydrogenase very long chain; plus strand). Cytogenetic location: 17p13.1.
Variant type: single nucleotide variant.
Coding change: c.602A>G on transcript NM_000018.4 (MANE Select); coding-DNA position 602, A replaced by G.
Protein change: p.Tyr201Cys; replaces tyrosine 201 with cysteine.
Molecular consequence: missense variant.
Genome position (GRCh38, 1-based): chr17:7,221,662, A>G. VCF-style: chr17-7221662-A-G. GRCh37 (hg19) VCF-style: chr17-7124981-A-G.
Other names: NM_000018.4(ACADVL):c.602A>G; p.Tyr201Cys; c.536A>G, p.Tyr179Cys (NM_001033859.3); c.671A>G, p.Tyr224Cys (NM_001270447.2); c.374A>G, p.Tyr125Cys (NM_001270448.2); short protein forms Y179C, Y224C, Y201C, Y125C.
Identifiers: ClinVar variation 932789 (VCV000932789.7), dbSNP rs1597525536, ClinGen allele CA397723258.
Genomic context (GRCh38, chr17:7,221,662, plus strand): 5'-ATCAGAGCATCGGTTTCAAAGGCATCCTGCTCTTTGGCACAAAGGCCCAGAAAGAAAAAT[A>G]CCTCCCCAAGCTGGCATCTGGTGAGGCAACCCTAGGAGAGCCAGGGATTGGGGGGCACAC-3'
Protein context (NP_000009.1, residues 191-211): LFGTKAQKEK[Tyr201Cys]LPKLASGETV